The following is an entry in ClinVar:

ClinVar aggregate classification (germline): Uncertain significance. Review status: criteria provided, multiple submitters, no conflicts (2 of 4 stars). 2 submissions from 2 submitters: Uncertain significance (2). Last evaluated 2024-05-23.

Conditions:
Corneal dystrophy, Fuchs endothelial, 3 (FECD3). Also called: FCD2 LOCUS. Identifiers: Orphanet 98974, MedGen C2750451, MONDO:0013203, OMIM 613267.
Pitt-Hopkins syndrome (PTHS). Also called: ENCEPHALOPATHY, SEVERE EPILEPTIC, WITH AUTONOMIC DYSFUNCTION; MENTAL RETARDATION, SYNDROMAL, WITH INTERMITTENT HYPERVENTILATION. Identifiers: Orphanet 2896, MedGen C1970431, MONDO:0012589, OMIM 610954.

Allele frequency attached by ClinVar (database versions not stated): gnomAD exomes below 0.00001.
gnomAD v4.1: 1 of 1,613,954 alleles (0.000062%); highest among the groups gnomAD compares: Non-Finnish European, 0.000085%; no homozygotes.

Submissions (2):

Fulgent Genetics
Classification: Uncertain significance for Pitt-Hopkins syndrome; Corneal dystrophy, Fuchs endothelial, 3. Last evaluated: 2024-05-23. Review status: criteria provided, single submitter. Criteria: ACMG Guidelines, 2015. Collection method: clinical testing. Allele origin: germline.

Labcorp Genetics (formerly Invitae), Labcorp
Classification: Uncertain significance for Pitt-Hopkins syndrome. Last evaluated: 2021-08-24. Review status: criteria provided, single submitter. Criteria: Invitae Variant Classification Sherloc (09022015). Collection method: clinical testing. Allele origin: germline.
Comment: This sequence change replaces asparagine with serine at codon 61 of the TCF4 protein (p.Asn61Ser). The asparagine residue is weakly conserved and there is a small physicochemical difference between asparagine and serine. This variant is not present in population databases (ExAC no frequency). This variant has not been reported in the literature in individuals affected with TCF4-related conditions. Algorithms developed to predict the effect of missense changes on protein structure and function output the following: SIFT: "Tolerated"; PolyPhen-2: "Benign"; Align-GVGD: "Class C0". The serine amino acid residue is found in multiple mammalian species, which suggests that this missense change does not adversely affect protein function. In summary, the available evidence is currently insufficient to determine the role of this variant in disease. Therefore, it has been classified as a Variant of Uncertain Significance.

NM_001083962.2(TCF4):c.182A>G (p.Asn61Ser)

Genes: TCF4 (transcription factor 4; minus strand), TCF4-AS1 (TCF4 antisense RNA 1; plus strand). Cytogenetic location: 18q21.2.
Variant type: single nucleotide variant.
Coding change: c.182A>G on transcript NM_001083962.2 (MANE Select); coding-DNA position 182, A replaced by G.
Protein change: p.Asn61Ser; replaces asparagine 61 with serine.
Molecular consequence: missense variant.
Genome position (GRCh38, 1-based): chr18:55,464,101, T>C on the plus strand (A>G on the coding strand, the complement: TCF4 is on the minus strand). VCF-style: chr18-55464101-T-C. GRCh37 (hg19) VCF-style: chr18-53131332-T-C.
Other names: c.488A>G, p.Asn163Ser (NM_001243226.3); c.110A>G, p.Asn37Ser (NM_001243227.2, NM_001306207.1, NM_001348217.1 and 15 more transcripts); c.182A>G, p.Asn61Ser (NM_001243228.2, NM_001330604.3, NM_001369567.1 and 8 more transcripts); c.176A>G, p.Asn59Ser (NM_001243230.2); c.56A>G, p.Asn19Ser (NM_001243231.2, NM_001348211.2); short protein forms N61S, N37S, N59S, N19S, N163S.
Identifiers: ClinVar variation 536803 (VCV000536803.7), dbSNP rs1555672050, ClinGen allele CA402703715.